The following is an entry in ClinVar:

NM_001111125.3(IQSEC2):c.800C>T (p.Pro267Leu)

Gene: IQSEC2 (IQ motif and Sec7 domain ArfGEF 2; minus strand). Cytogenetic location: Xp11.22.
Variant type: single nucleotide variant.
Coding change: c.800C>T on transcript NM_001111125.3 (MANE Select); coding-DNA position 800, C replaced by T.
Protein change: p.Pro267Leu; replaces proline 267 with leucine.
Molecular consequence: missense variant.
Genome position (GRCh38, 1-based): chrX:53,255,999, G>A on the plus strand (C>T on the coding strand, the complement: IQSEC2 is on the minus strand). VCF-style: chrX-53255999-G-A. GRCh37 (hg19) VCF-style: chrX-53285181-G-A.
Other names: c.800C>T, p.Pro267Leu (NM_001410736.1); c.185C>T, p.Pro62Leu (NM_015075.2); c.800C>T (NM_001111125.1); short protein forms P62L, P267L.
Identifiers: ClinVar variation 1957378 (VCV001957378.7), dbSNP rs12556365, ClinGen allele CA413172113.

ClinVar aggregate classification (germline): Uncertain significance. Review status: criteria provided, multiple submitters, no conflicts (2 of 4 stars). 2 submissions from 2 submitters: Uncertain significance (2). Last evaluated 2026-08-11.

Conditions:
Intellectual developmental disorder, X-linked 1. Also called: Atkin Flaitz Patil Smith syndrome; MENTAL RETARDATION, X-LINKED 18; MENTAL RETARDATION, X-LINKED 78; Intellectual disability, X-linked 1. Identifiers: Orphanet 777, MedGen C2931498, MONDO:0010656, OMIM 309530.

Submissions (2):

GeneDx
Classification: Uncertain significance. Last evaluated: 2026-08-11. Review status: criteria provided, single submitter. Criteria: GeneDx Variant Classification Process June 2021. Collection method: clinical testing. Allele origin: germline.
Comment: Not observed at significant frequency in large population cohorts (gnomAD); In silico analysis supports that this missense variant has a deleterious effect on protein structure/function; Has not been previously published as pathogenic or benign to our knowledge

Labcorp Genetics (formerly Invitae), Labcorp
Classification: Uncertain significance for Intellectual developmental disorder, X-linked 1. Last evaluated: 2022-01-16. Review status: criteria provided, single submitter. Criteria: Invitae Variant Classification Sherloc (09022015). Collection method: clinical testing. Allele origin: germline.
Comment: In summary, the available evidence is currently insufficient to determine the role of this variant in disease. Therefore, it has been classified as a Variant of Uncertain Significance. Advanced modeling of protein sequence and biophysical properties (such as structural, functional, and spatial information, amino acid conservation, physicochemical variation, residue mobility, and thermodynamic stability) performed at Invitae indicates that this missense variant is not expected to disrupt IQSEC2 protein function. This variant has not been reported in the literature in individuals affected with IQSEC2-related conditions. This variant is not present in population databases (gnomAD no frequency). This sequence change replaces proline, which is neutral and non-polar, with leucine, which is neutral and non-polar, at codon 267 of the IQSEC2 protein (p.Pro267Leu).